The following is an entry in ClinVar:

ClinVar aggregate classification (germline): Benign. Review status: criteria provided, multiple submitters, no conflicts (2 of 4 stars). 3 submissions from 3 submitters: Benign (2). 1 of the submissions does not count toward it. Last evaluated 2016-03-29.

Conditions:
DNAH2-related disorder. Also called: DNAH2-related condition.

Allele frequency attached by ClinVar (database versions not stated): 1000 Genomes Project 0.08626; 1000 Genomes Project 30x 0.09010; gnomAD exomes 0.12723 and 0.15752; ExAC 0.12992; TOPMed 0.13214; gnomAD 0.13775 and 0.14235; ESP Exome Variant Server 0.14993.
gnomAD v4.1: 249,656 of 1,607,788 alleles (16%); highest among the groups gnomAD compares: Non-Finnish European, 17%; 20,757 homozygotes.

Submissions (3):

Laboratory for Molecular Medicine, Mass General Brigham Personalized Medicine
Classification: Benign. Last evaluated: 2016-03-29. Review status: criteria provided, single submitter. Criteria: LMM Criteria. Collection method: clinical testing. Allele origin: germline.
Comment: Variant identified in a genome or exome case(s) and assessed due to predicted null impact of the variant or pathogenic assertions in the literature or databases. Disclaimer: This variant has not undergone full assessment. The following are preliminary notes: MAF

Breakthrough Genomics
Classification: Benign. Review status: criteria provided, single submitter. Criteria: ACMG Guidelines, 2015. Collection method: not provided. Allele origin: germline. Inheritance: Autosomal recessive inheritance. Affected: yes.

PreventionGenetics, part of Exact Sciences
Classification: Benign for DNAH2-related condition. Last evaluated: 2019-10-21. Review status: no assertion criteria provided. Collection method: clinical testing. Allele origin: germline. Not counted in ClinVar's aggregate classification.
Comment: This variant is classified as benign based on ACMG/AMP sequence variant interpretation guidelines (Richards et al. 2015 PMID: 25741868, with internal and published modifications).

NM_020877.5(DNAH2):c.294T>C (p.His98=)

Gene: DNAH2 (dynein axonemal heavy chain 2; plus strand). Cytogenetic location: 17p13.1.
Variant type: single nucleotide variant.
Coding change: c.294T>C on transcript NM_020877.5 (MANE Select); coding-DNA position 294, T replaced by C.
Protein change: p.His98=; no amino-acid change (histidine 98 retained).
Molecular consequence: synonymous variant.
Genome position (GRCh38, 1-based): chr17:7,727,187, T>C. VCF-style: chr17-7727187-T-C. GRCh37 (hg19) VCF-style: chr17-7630505-T-C.
Other names: c.294T>C, p.His98= (NM_001303270.2); c.294T>C (NM_020877.3).
Identifiers: ClinVar variation 402705 (VCV000402705.7), dbSNP rs11867551, ClinGen allele CA8355816.